The following is an entry in ClinVar:

ClinVar aggregate classification (germline): Uncertain significance. Review status: criteria provided, multiple submitters, no conflicts (2 of 4 stars). 3 submissions from 3 submitters: Uncertain significance (3). Last evaluated 2024-03-04.

Conditions:
JAG2-related disorder. Also called: JAG2-related condition.

Allele frequency attached by ClinVar (database versions not stated): ExAC 0.00004; gnomAD 0.00009; TOPMed 0.00012; 1000 Genomes Project 30x 0.00016; 1000 Genomes Project 0.00020.
gnomAD v4.1: 45 of 1,596,692 alleles (0.0028%); highest among the groups gnomAD compares: Admixed American, 0.022%; no homozygotes.

Submissions (3):

Ambry Genetics
Classification: Uncertain significance. Last evaluated: 2024-03-04. Review status: criteria provided, single submitter. Criteria: Ambry Variant Classification Scheme 2023. Collection method: clinical testing. Allele origin: germline.

PreventionGenetics, part of Exact Sciences
Classification: Uncertain significance for JAG2-related condition. Last evaluated: 2023-08-24. Review status: criteria provided, single submitter. Criteria: ACMG Guidelines, 2015. Collection method: clinical testing. Allele origin: germline.
Comment: The JAG2 c.2935C>T variant is predicted to result in the amino acid substitution p.Arg979Cys. To our knowledge, this variant has not been reported in the literature. This variant is reported in 0.0037% of alleles in individuals of South Asian descent in gnomAD. At this time, the clinical significance of this variant is uncertain due to the absence of conclusive functional and genetic evidence.

GeneDx
Classification: Uncertain significance. Last evaluated: 2023-06-08. Review status: criteria provided, single submitter. Criteria: GeneDx Variant Classification Process June 2021. Collection method: clinical testing. Allele origin: germline. Affected: yes.
Comment: In silico analysis supports that this missense variant has a deleterious effect on protein structure/function; Has not been previously published as pathogenic or benign to our knowledge

NM_002226.5(JAG2):c.2935C>T (p.Arg979Cys)

Gene: JAG2 (jagged canonical Notch ligand 2; minus strand). Cytogenetic location: 14q32.33.
Variant type: single nucleotide variant.
Coding change: c.2935C>T on transcript NM_002226.5 (MANE Select); coding-DNA position 2935, C replaced by T.
Protein change: p.Arg979Cys; replaces arginine 979 with cysteine.
Molecular consequence: missense variant.
Genome position (GRCh38, 1-based): chr14:105,145,748, G>A on the plus strand (C>T on the coding strand, the complement: JAG2 is on the minus strand). VCF-style: chr14-105145748-G-A. GRCh37 (hg19) VCF-style: chr14-105612085-G-A.
Other names: c.2821C>T, p.Arg941Cys (NM_145159.3); c.2935C>T (NM_002226.3); short protein forms R941C, R979C.
Identifiers: ClinVar variation 2632118 (VCV002632118.3), dbSNP rs202178182, ClinGen allele CA7385412.
Genomic context (GRCh38, chr14:105,145,748, plus strand): 5'-GGCGTGTGGCCTCTGCAAGCTCAGATGCCACCAGGCCCCTCACCTGGGGCACGTGGTCAC[G>A]GTTGAAATGCAAGGTGAGGCGGGCACAGTTATTGTCCAGGTGGCCGGAGCGTGGCAGGCA-3'
Protein context (NP_002217.3, residues 969-989): NCARLTLHFN[Arg979Cys]DHVPQGTTVG